The following is an entry in ClinVar:

NM_000020.3(ACVRL1):c.1171G>T (p.Glu391Ter)

Gene: ACVRL1 (activin A receptor like type 1; plus strand). Cytogenetic location: 12q13.13.
Variant type: single nucleotide variant.
Coding change: c.1171G>T on transcript NM_000020.3 (MANE Select); coding-DNA position 1171, G replaced by T.
Protein change: p.Glu391Ter; replaces glutamic acid 391 with a stop codon.
Molecular consequence: nonsense.
Genome position (GRCh38, 1-based): chr12:51,916,158, G>T. VCF-style: chr12-51916158-G-T. GRCh37 (hg19) VCF-style: chr12-52309942-G-T.
Other names: c.1171G>T, p.Glu391Ter (NM_001077401.2); short protein forms E391*.
Identifiers: ClinVar variation 982447 (VCV000982447.4), dbSNP rs1940836063, ClinGen allele CA384902726.

ClinVar aggregate classification (germline): Pathogenic. Review status: criteria provided, multiple submitters, no conflicts (2 of 4 stars). 3 submissions from 3 submitters: Pathogenic (3). Last evaluated 2024-10-23.

Conditions:
ACVRL1-related disorder. Also called: ACVRL1-related condition; ACVRL1-related disorders.
Telangiectasia, hereditary hemorrhagic, type 2 (HHT2). Also called: Telangiectasia, hereditary hemorrhagic, type II; ACVRL1-Related Hereditary Hemorrhagic Telangiectasia. Identifiers: Orphanet 774, MedGen C1838163, MONDO:0010880, OMIM 600376. Disease mechanism: loss of function.

Submissions (3):

Labcorp Genetics (formerly Invitae), Labcorp
Classification: Pathogenic for Telangiectasia, hereditary hemorrhagic, type 2. Last evaluated: 2024-10-23. Review status: criteria provided, single submitter. Criteria: Invitae Variant Classification Sherloc (09022015). Collection method: clinical testing. Allele origin: germline.
Comment: This sequence change creates a premature translational stop signal (p.Glu391*) in the ACVRL1 gene. It is expected to result in an absent or disrupted protein product. Loss-of-function variants in ACVRL1 are known to be pathogenic (PMID: 15879500). This variant is not present in population databases (gnomAD no frequency). This premature translational stop signal has been observed in individual(s) with hereditary hemorrhagic telangiectasia (PMID: 12700602). ClinVar contains an entry for this variant (Variation ID: 982447). For these reasons, this variant has been classified as Pathogenic.

Blueprint Genetics
Classification: Pathogenic for ACVRL1-related disorders. Last evaluated: 2023-09-21. Review status: criteria provided, single submitter. Criteria: ACMG Guidelines, 2015. Collection method: clinical testing. Allele origin: germline. Affected: yes. Observed: 2 variant alleles.

NIHR Bioresource Rare Diseases, University of Cambridge
Classification: Pathogenic for Telangiectasia, hereditary hemorrhagic, type 2. Last evaluated: 2018-01-01. Review status: criteria provided, single submitter. Criteria: ACMG Guidelines, 2015. Collection method: research. Allele origin: unknown. Affected: yes. Observed: 1 variant allele.
Comment: PVS1+PM2+PP4

Literature cited by the submitters: PubMed 15879500 (cited by Labcorp Genetics (formerly Invitae), Labcorp); PubMed 12700602 (cited by Labcorp Genetics (formerly Invitae), Labcorp); PubMed 32573726 (cited by NIHR Bioresource Rare Diseases, University of Cambridge).